The following is an entry in ClinVar:

ClinVar aggregate classification (germline): Uncertain significance. Review status: criteria provided, multiple submitters, no conflicts (2 of 4 stars). 2 submissions from 2 submitters: Uncertain significance (2). Last evaluated 2025-11-19.

Conditions:
Hereditary nonpolyposis colorectal neoplasms. Identifiers: MedGen C0009405, MeSH D003123.
Hereditary cancer-predisposing syndrome. Also called: Neoplastic Syndromes, Hereditary; Tumor predisposition; Hereditary neoplastic syndrome; Hereditary Cancer Syndrome. Identifiers: Orphanet 140162, MedGen C0027672, MeSH D009386, MONDO:0015356.

Submissions (2):

Color Diagnostics, LLC DBA Color Health
Classification: Uncertain significance for Hereditary cancer-predisposing syndrome. Last evaluated: 2025-11-19. Review status: criteria provided, single submitter. Criteria: ACMG Guidelines, 2015. Collection method: clinical testing. Allele origin: germline.
Comment: This missense variant replaces glycine with serine at codon 857 of the PMS2 protein. Computational prediction suggests that this variant may not impact protein structure and function. To our knowledge, functional studies have not been reported for this variant. This variant has not been reported in individuals affected with PMS2-related disorders in the literature. This variant has not been identified in the general population by the Genome Aggregation Database (gnomAD). The available evidence is insufficient to determine the role of this variant in disease conclusively. Therefore, this variant is classified as a Variant of Uncertain Significance.

Labcorp Genetics (formerly Invitae), Labcorp
Classification: Uncertain significance for Hereditary nonpolyposis colorectal neoplasms. Last evaluated: 2024-04-22. Review status: criteria provided, single submitter. Criteria: Invitae Variant Classification Sherloc (09022015). Collection method: clinical testing. Allele origin: germline.
Comment: This sequence change replaces glycine, which is neutral and non-polar, with serine, which is neutral and polar, at codon 857 of the PMS2 protein (p.Gly857Ser). The frequency data for this variant in the population databases (gnomAD) is considered unreliable due to the presence of homologous sequence, such as pseudogenes or paralogs, in the genome. This variant has not been reported in the literature in individuals affected with PMS2-related conditions. ClinVar contains an entry for this variant (Variation ID: 1388437). Advanced modeling of protein sequence and biophysical properties (such as structural, functional, and spatial information, amino acid conservation, physicochemical variation, residue mobility, and thermodynamic stability) performed at Invitae indicates that this missense variant is not expected to disrupt PMS2 protein function with a negative predictive value of 80%. In summary, the available evidence is currently insufficient to determine the role of this variant in disease. Therefore, it has been classified as a Variant of Uncertain Significance.

NM_000535.7(PMS2):c.2569G>A (p.Gly857Ser)

Gene: PMS2 (PMS1 homolog 2, mismatch repair system component; minus strand). Cytogenetic location: 7p22.1.
Variant type: single nucleotide variant.
Coding change: c.2569G>A on transcript NM_000535.7 (MANE Select); coding-DNA position 2569, G replaced by A.
Protein change: p.Gly857Ser; replaces glycine 857 with serine.
Molecular consequence: missense variant. On other transcripts: non-coding transcript variant (1).
Genome position (GRCh38, 1-based): chr7:5,973,419, C>T on the plus strand (G>A on the coding strand, the complement: PMS2 is on the minus strand). VCF-style: chr7-5973419-C-T. GRCh37 (hg19) VCF-style: chr7-6013050-C-T.
Other names: c.2164G>A, p.Gly722Ser (NM_001322003.2, NM_001322004.2, NM_001322005.2); c.2413G>A, p.Gly805Ser (NM_001322006.2); c.2251G>A, p.Gly751Ser (NM_001322007.2, NM_001322008.2); c.2197G>A, p.Gly733Ser (NM_001322009.2); c.2008G>A, p.Gly670Ser (NM_001322010.2); c.1636G>A, p.Gly546Ser (NM_001322011.2, NM_001322012.2); c.1996G>A, p.Gly666Ser (NM_001322013.2); c.2602G>A, p.Gly868Ser (NM_001322014.2); and 1 more; short protein forms G546S, G666S, G722S, G733S, G751S, G805S, G670S, G754S.
Identifiers: ClinVar variation 1388437 (VCV001388437.7), dbSNP rs750820328, ClinGen allele CA366734750.